The following is an entry in ClinVar:

ClinVar aggregate classification (germline): Uncertain significance. Review status: criteria provided, multiple submitters, no conflicts (2 of 4 stars). 2 submissions from 2 submitters: Uncertain significance (2). Last evaluated 2025-11-18.

Conditions:
Hereditary cancer-predisposing syndrome. Also called: Hereditary Cancer Syndrome; Tumor predisposition; Neoplastic Syndromes, Hereditary; Hereditary neoplastic syndrome. Identifiers: Orphanet 140162, MedGen C0027672, MeSH D009386, MONDO:0015356.

Submissions (2):

Labcorp Genetics (formerly Invitae), Labcorp
Classification: Uncertain significance. Last evaluated: 2025-11-18. Review status: criteria provided, single submitter. Criteria: Invitae Variant Classification Sherloc (09022015). Collection method: clinical testing. Allele origin: germline.
Comment: This sequence change replaces glycine, which is neutral and non-polar, with serine, which is neutral and polar, at codon 673 of the POLE protein (p.Gly673Ser). This variant is not present in population databases (gnomAD no frequency). This variant has not been reported in the literature in individuals affected with POLE-related conditions. ClinVar contains an entry for this variant (Variation ID: 864604). Invitae Evidence Modeling of protein sequence and biophysical properties (such as structural, functional, and spatial information, amino acid conservation, physicochemical variation, residue mobility, and thermodynamic stability) indicates that this missense variant is expected to disrupt POLE protein function with a positive predictive value of 80%. In summary, the available evidence is currently insufficient to determine the role of this variant in disease. Therefore, it has been classified as a Variant of Uncertain Significance.

Ambry Genetics
Classification: Uncertain significance for Hereditary cancer-predisposing syndrome. Last evaluated: 2025-03-03. Review status: criteria provided, single submitter. Criteria: Ambry Variant Classification Scheme 2023. Collection method: clinical testing. Allele origin: germline.
Comment: The p.G673S variant (also known as c.2017G>A), located in coding exon 18 of the POLE gene, results from a G to A substitution at nucleotide position 2017. The glycine at codon 673 is replaced by serine, an amino acid with similar properties. This amino acid position is highly conserved in available vertebrate species. In addition, the in silico prediction for this alteration is inconclusive. Based on the available evidence, the clinical significance of this variant remains unclear.

NM_006231.4(POLE):c.2017G>A (p.Gly673Ser)

Gene: POLE (DNA polymerase epsilon, catalytic subunit; minus strand). Cytogenetic location: 12q24.33.
Variant type: single nucleotide variant.
Coding change: c.2017G>A on transcript NM_006231.4 (MANE Select); coding-DNA position 2017, G replaced by A.
Protein change: p.Gly673Ser; replaces glycine 673 with serine.
Molecular consequence: missense variant.
Genome position (GRCh38, 1-based): chr12:132,668,644, C>T on the plus strand (G>A on the coding strand, the complement: POLE is on the minus strand). VCF-style: chr12-132668644-C-T. GRCh37 (hg19) VCF-style: chr12-133245230-C-T.
Other names: c.2017G>A (NM_006231.2); short protein forms G673S.
Identifiers: ClinVar variation 864604 (VCV000864604.10), dbSNP rs2042852833, ClinGen allele CA387354678.